The following is an entry in ClinVar:

NM_000329.3(RPE65):c.547A>G (p.Ile183Val)

Gene: RPE65 (retinoid isomerohydrolase RPE65; minus strand). Cytogenetic location: 1p31.3.
Variant type: single nucleotide variant.
Coding change: c.547A>G on transcript NM_000329.3 (MANE Select); coding-DNA position 547, A replaced by G.
Protein change: p.Ile183Val; replaces isoleucine 183 with valine.
Molecular consequence: missense variant.
Genome position (GRCh38, 1-based): chr1:68,440,949, T>C on the plus strand (A>G on the coding strand, the complement: RPE65 is on the minus strand). VCF-style: chr1-68440949-T-C. GRCh37 (hg19) VCF-style: chr1-68906632-T-C.
Other names: short protein forms I183V.
Identifiers: ClinVar variation 806151 (VCV000806151.49), dbSNP rs1010958875, ClinGen allele CA23572126.
Genomic context (GRCh38, chr1:68,440,949, plus strand): 5'-CAATTGAAAAATTTTTTCCAAAGCAATTACCAATATTGTAAACGGTTCCATCATTTTCAA[T>C]GTGGGGGTGAGCAGTGGCCCCATTGACAGAGACATAGTTGCAAAGATCAACCTACGGAAG-3'
Protein context (NP_000320.1, residues 173-193): SVNGATAHPH[Ile183Val]ENDGTVYNIG

ClinVar aggregate classification (germline): Uncertain significance. Review status: criteria provided, multiple submitters, no conflicts (2 of 4 stars). 6 submissions from 5 submitters: Uncertain significance (6). Last evaluated 2026-01-09.

Conditions:
Leber congenital amaurosis 2 (LCA2). Also called: AMAUROSIS CONGENITA OF LEBER II; Autosomal Recessive RPE65-Related Retinal Degeneration. Identifiers: Orphanet 65, MedGen C1859844, MONDO:0008765, OMIM 204100. Disease mechanism: loss of function.
Retinitis pigmentosa 20 (RP20). Identifiers: Orphanet 791, MedGen C3151086, MONDO:0013425, OMIM 613794.

Allele frequency attached by ClinVar (database versions not stated): gnomAD 0.00001; gnomAD exomes 0.00001.
gnomAD v4.1: 19 of 1,613,916 alleles (0.0012%); highest among the groups gnomAD compares: Middle Eastern, 0.049%; no homozygotes.

Submissions (6):

Labcorp Genetics (formerly Invitae), Labcorp
Classification: Uncertain significance for Leber congenital amaurosis 2; Retinitis pigmentosa 20. Last evaluated: 2026-01-09. Review status: criteria provided, single submitter. Criteria: Invitae Variant Classification Sherloc (09022015). Collection method: clinical testing. Allele origin: germline.
Comment: This sequence change replaces isoleucine, which is neutral and non-polar, with valine, which is neutral and non-polar, at codon 183 of the RPE65 protein (p.Ile183Val). This variant is present in population databases (no rsID available, gnomAD 0.003%). This variant has not been reported in the literature in individuals affected with RPE65-related conditions. ClinVar contains an entry for this variant (Variation ID: 806151). Invitae Evidence Modeling of protein sequence and biophysical properties (such as structural, functional, and spatial information, amino acid conservation, physicochemical variation, residue mobility, and thermodynamic stability) indicates that this missense variant is not expected to disrupt RPE65 protein function with a negative predictive value of 80%. In summary, the available evidence is currently insufficient to determine the role of this variant in disease. Therefore, it has been classified as a Variant of Uncertain Significance.

Blueprint Genetics
Classification: Uncertain significance. Last evaluated: 2024-10-24. Review status: criteria provided, single submitter. Criteria: ACMG Guidelines, 2015. Collection method: clinical testing. Allele origin: germline.

Genome-Nilou Lab
Classification: Uncertain significance for Retinitis pigmentosa 20. Last evaluated: 2021-07-22. Review status: criteria provided, single submitter. Criteria: ACMG Guidelines, 2015. Collection method: clinical testing. Allele origin: germline. Affected: no.

Genome-Nilou Lab
Classification: Uncertain significance for Leber congenital amaurosis 2. Last evaluated: 2021-07-22. Review status: criteria provided, single submitter. Criteria: ACMG Guidelines, 2015. Collection method: clinical testing. Allele origin: germline. Affected: no.

CeGaT Center for Human Genetics Tuebingen
Classification: Uncertain significance. Last evaluated: 2017-08-01. Review status: criteria provided, single submitter. Criteria: CeGaT Center For Human Genetics Tuebingen Variant Classification Criteria Version 2. Collection method: clinical testing. Allele origin: germline. Affected: yes. Observed: 1 variant allele.

Breakthrough Genomics
Classification: Uncertain significance. Review status: criteria provided, single submitter. Criteria: ACMG Guidelines, 2015. Collection method: not provided. Allele origin: germline. Inheritance: Autosomal recessive inheritance. Affected: yes.